The following is an entry in ClinVar:

ClinVar aggregate classification (germline): Uncertain significance. Review status: criteria provided, multiple submitters, no conflicts (2 of 4 stars). 2 submissions from 2 submitters: Uncertain significance (2). Last evaluated 2024-09-20.

gnomAD v4.1: 2 of 1,613,994 alleles (0.00012%); highest among the groups gnomAD compares: South Asian, 0.0022%; no homozygotes.

Submissions (2):

Blueprint Genetics
Classification: Uncertain significance. Last evaluated: 2024-09-20. Review status: criteria provided, single submitter. Criteria: ACMG Guidelines, 2015. Collection method: clinical testing. Allele origin: germline.

Labcorp Genetics (formerly Invitae), Labcorp
Classification: Uncertain significance. Last evaluated: 2021-04-14. Review status: criteria provided, single submitter. Criteria: Invitae Variant Classification Sherloc (09022015). Collection method: clinical testing. Allele origin: germline.
Comment: This variant has not been reported in the literature in individuals with RDH5-related conditions. In summary, the available evidence is currently insufficient to determine the role of this variant in disease. Therefore, it has been classified as a Variant of Uncertain Significance. Algorithms developed to predict the effect of missense changes on protein structure and function (SIFT, PolyPhen-2, Align-GVGD) all suggest that this variant is likely to be tolerated, but these predictions have not been confirmed by published functional studies and their clinical significance is uncertain. This variant is not present in population databases (ExAC no frequency). This sequence change replaces arginine with glycine at codon 21 of the RDH5 protein (p.Arg21Gly). The arginine residue is moderately conserved and there is a moderate physicochemical difference between arginine and glycine.

NM_002905.5(RDH5):c.61C>G (p.Arg21Gly)

Genes: BLOC1S1-RDH5 (BLOC1S1-RDH5 readthrough; plus strand), RDH5 (retinol dehydrogenase 5; plus strand). Cytogenetic location: 12q13.2.
Variant type: single nucleotide variant.
Coding change: c.61C>G on transcript NM_002905.5 (MANE Select); coding-DNA position 61, C replaced by G.
Protein change: p.Arg21Gly; replaces arginine 21 with glycine.
Molecular consequence: missense variant.
Genome position (GRCh38, 1-based): chr12:55,721,245, C>G. VCF-style: chr12-55721245-C-G. GRCh37 (hg19) VCF-style: chr12-56115029-C-G.
Other names: c.61C>G, p.Arg21Gly (NM_001199771.3); short protein forms R21G.
Identifiers: ClinVar variation 1007630 (VCV001007630.9), dbSNP rs749791034, ClinGen allele CA385199447.